The following is an entry in ClinVar:

NM_022489.4(INF2):c.1958A>G (p.Glu653Gly)

Gene: INF2 (inverted formin 2; plus strand). Cytogenetic location: 14q32.33.
Variant type: single nucleotide variant.
Coding change: c.1958A>G on transcript NM_022489.4 (MANE Select); coding-DNA position 1958, A replaced by G.
Protein change: p.Glu653Gly; replaces glutamic acid 653 with glycine.
Molecular consequence: missense variant.
Genome position (GRCh38, 1-based): chr14:104,709,289, A>G. VCF-style: chr14-104709289-A-G. GRCh37 (hg19) VCF-style: chr14-105175626-A-G.
Other names: c.1958A>G, p.Glu653Gly (NM_001031714.4); short protein forms E653G.
Identifiers: ClinVar variation 1497825 (VCV001497825.29), dbSNP rs2140675983, ClinGen allele CA391219451.
Genomic context (GRCh38, chr14:104,709,289, plus strand): 5'-TGGGGGTGACTCATGATTCACTCACCCCTGCCCGGTCCTCTCCCTGCTCCAGCTCCAACG[A>G]GGAGGTCGCTGCTATGATCCGGGCTGGAGATACCACCAAGTTTGATGTGGAGGTTCTCAA-3'
Protein context (NP_071934.3, residues 643-663): IFLKQFKCSN[Glu653Gly]EVAAMIRAGD

ClinVar aggregate classification (germline): Uncertain significance. Review status: criteria provided, multiple submitters, no conflicts (2 of 4 stars). 2 submissions from 2 submitters: Uncertain significance (2). Last evaluated 2023-06-01.

Conditions:
Focal segmental glomerulosclerosis 5 (FSGS5). Identifiers: Orphanet 656, MedGen C2750475, MONDO:0013191, OMIM 613237.
Charcot-Marie-Tooth disease dominant intermediate E. Also called: CHARCOT-MARIE-TOOTH NEUROPATHY WITH FOCAL SEGMENTAL GLOMERULONEPHRITIS. Identifiers: Orphanet 93114, MedGen C4302667, MONDO:0013758, OMIM 614455.

Submissions (2):

CeGaT Center for Human Genetics Tuebingen
Classification: Uncertain significance. Last evaluated: 2023-06-01. Review status: criteria provided, single submitter. Criteria: CeGaT Center For Human Genetics Tuebingen Variant Classification Criteria Version 2. Collection method: clinical testing. Allele origin: germline. Affected: yes. Observed: 1 variant allele.
Comment: INF2: PM2, BP4

Labcorp Genetics (formerly Invitae), Labcorp
Classification: Uncertain significance for Charcot-Marie-Tooth disease dominant intermediate E; Focal segmental glomerulosclerosis 5. Last evaluated: 2021-10-18. Review status: criteria provided, single submitter. Criteria: Invitae Variant Classification Sherloc (09022015). Collection method: clinical testing. Allele origin: germline.
Comment: Advanced modeling of protein sequence and biophysical properties (such as structural, functional, and spatial information, amino acid conservation, physicochemical variation, residue mobility, and thermodynamic stability) performed at Invitae indicates that this missense variant is expected to disrupt INF2 protein function. In summary, the available evidence is currently insufficient to determine the role of this variant in disease. Therefore, it has been classified as a Variant of Uncertain Significance. This variant has not been reported in the literature in individuals affected with INF2-related conditions. This variant is not present in population databases (ExAC no frequency). This sequence change replaces glutamic acid with glycine at codon 653 of the INF2 protein (p.Glu653Gly). The glutamic acid residue is highly conserved and there is a moderate physicochemical difference between glutamic acid and glycine.